The following is an entry in ClinVar:

NM_001394998.1(TANC2):c.1009A>C (p.Met337Leu)

Gene: TANC2 (tetratricopeptide repeat, ankyrin repeat and coiled-coil containing 2; plus strand). Cytogenetic location: 17q23.3.
Variant type: single nucleotide variant.
Coding change: c.1009A>C on transcript NM_001394998.1 (MANE Select); coding-DNA position 1009, A replaced by C.
Protein change: p.Met337Leu; replaces methionine 337 with leucine.
Molecular consequence: missense variant.
Genome position (GRCh38, 1-based): chr17:63,238,053, A>C. VCF-style: chr17-63238053-A-C. GRCh37 (hg19) VCF-style: chr17-61315414-A-C.
Other names: c.787A>C, p.Met263Leu (NM_001411076.1, NM_025185.4); short protein forms M263L, M337L.
Identifiers: ClinVar variation 2305659 (VCV002305659.2), dbSNP rs767556585, ClinGen allele CA400792874.

ClinVar aggregate classification (germline): Uncertain significance (1 of 4 stars; one submission).

Conditions:
Inborn genetic diseases. Identifiers: MedGen C0950123, MeSH D030342.

Submission:

Ambry Genetics
Classification: Uncertain significance for Inborn genetic diseases. Last evaluated: 2022-08-08. Review status: criteria provided, single submitter. Criteria: Ambry Variant Classification Scheme 2023. Collection method: clinical testing. Allele origin: germline.
Comment: The c.787A>C (p.M263L) alteration is located in exon 6 (coding exon 6) of the TANC2 gene. This alteration results from a A to C substitution at nucleotide position 787, causing the methionine (M) at amino acid position 263 to be replaced by a leucine (L). Based on data from gnomAD, the C allele has an overall frequency of 0.0006% (1/152,000) total alleles studied. The highest observed frequency was 0.009% (1/10,584) of Finnish European alleles. This amino acid position is highly conserved in available vertebrate species. The in silico prediction for this alteration is inconclusive. Based on insufficient or conflicting evidence, the clinical significance of this alteration remains unclear.